The following is an entry in ClinVar:

ClinVar aggregate classification (germline): Benign. Review status: criteria provided, multiple submitters, no conflicts (2 of 4 stars). 2 submissions from 2 submitters: Benign (2). Last evaluated 2018-06-14.

Allele frequency attached by ClinVar (database versions not stated): 1000 Genomes Project 0.30092; 1000 Genomes Project 30x 0.31199; gnomAD 0.31413 and 0.32343; TOPMed 0.32961.

Submissions (2):

GeneDx
Classification: Benign. Last evaluated: 2018-06-14. Review status: criteria provided, single submitter. Criteria: GeneDx Variant Classification (06012015). Collection method: clinical testing. Allele origin: germline. Affected: yes.
Comment: This variant is considered likely benign or benign based on one or more of the following criteria: it is a conservative change, it occurs at a poorly conserved position in the protein, it is predicted to be benign by multiple in silico algorithms, and/or has population frequency not consistent with disease.

Breakthrough Genomics
Classification: Benign. Review status: criteria provided, single submitter. Criteria: ACMG Guidelines, 2015. Collection method: not provided. Allele origin: germline. Inheritance: Autosomal dominant inheritance. Affected: yes.

NM_003476.5(CSRP3):c.508+73T>A

Gene: CSRP3 (cysteine and glycine rich protein 3; minus strand). Cytogenetic location: 11p15.1.
Variant type: single nucleotide variant.
Coding change: c.508+73T>A on transcript NM_003476.5 (MANE Select); 73 bases into the intron after coding-DNA position 508, T replaced by A.
Molecular consequence: intron variant.
Genome position (GRCh38, 1-based): chr11:19,184,879, A>T on the plus strand (T>A on the coding strand, the complement: CSRP3 is on the minus strand). VCF-style: chr11-19184879-A-T. GRCh37 (hg19) VCF-style: chr11-19206426-A-T.
Other names: c.339+73T>A (NM_001369404.1).
Identifiers: ClinVar variation 671080 (VCV000671080.2), dbSNP rs2288251, ClinGen allele CA13375689.